The following is an entry in ClinVar:

ClinVar aggregate classification (germline): Uncertain significance (1 of 4 stars; one submission).

Allele frequency attached by ClinVar (database versions not stated): gnomAD exomes below 0.00001; TOPMed below 0.00001.
gnomAD v4.1: 5 of 1,614,156 alleles (0.00031%); highest among the groups gnomAD compares: Non-Finnish European, 0.00042%; no homozygotes.

Submission:

Labcorp Genetics (formerly Invitae), Labcorp
Classification: Uncertain significance. Last evaluated: 2020-01-01. Review status: criteria provided, single submitter. Criteria: Invitae Variant Classification Sherloc (09022015). Collection method: clinical testing. Allele origin: germline.
Comment: In summary, the available evidence is currently insufficient to determine the role of this variant in disease. Therefore, it has been classified as a Variant of Uncertain Significance. Algorithms developed to predict the effect of missense changes on protein structure and function (SIFT, PolyPhen-2, Align-GVGD) all suggest that this variant is likely to be disruptive, but these predictions have not been confirmed by published functional studies and their clinical significance is uncertain. This variant has not been reported in the literature in individuals with IMPG2-related conditions. This variant is not present in population databases (ExAC no frequency). This sequence change replaces cysteine with tyrosine at codon 1092 of the IMPG2 protein (p.Cys1092Tyr). The cysteine residue is highly conserved and there is a large physicochemical difference between cysteine and tyrosine.

NM_016247.4(IMPG2):c.3275G>A (p.Cys1092Tyr)

Gene: IMPG2 (interphotoreceptor matrix proteoglycan 2; minus strand). Cytogenetic location: 3q12.3.
Variant type: single nucleotide variant.
Coding change: c.3275G>A on transcript NM_016247.4 (MANE Select); coding-DNA position 3275, G replaced by A.
Protein change: p.Cys1092Tyr; replaces cysteine 1092 with tyrosine.
Molecular consequence: missense variant.
Genome position (GRCh38, 1-based): chr3:101,231,104, C>T on the plus strand (G>A on the coding strand, the complement: IMPG2 is on the minus strand). VCF-style: chr3-101231104-C-T. GRCh37 (hg19) VCF-style: chr3-100949948-C-T.
Other names: short protein forms C1092Y.
Identifiers: ClinVar variation 1021571 (VCV001021571.9), dbSNP rs1188976081, ClinGen allele CA353848998.